The following is an entry in ClinVar:

NM_001429.4(EP300):c.7077G>A (p.Met2359Ile)

Gene: EP300 (EP300 lysine acetyltransferase; plus strand). Cytogenetic location: 22q13.2.
Variant type: single nucleotide variant.
Coding change: c.7077G>A on transcript NM_001429.4 (MANE Select); coding-DNA position 7077, G replaced by A.
Protein change: p.Met2359Ile; replaces methionine 2359 with isoleucine.
Molecular consequence: missense variant.
Genome position (GRCh38, 1-based): chr22:41,178,788, G>A. VCF-style: chr22-41178788-G-A. GRCh37 (hg19) VCF-style: chr22-41574792-G-A.
Other names: c.6999G>A, p.Met2333Ile (NM_001362843.2); short protein forms M2359I, M2333I.
Identifiers: ClinVar variation 4986204 (VCV004986204.1).

ClinVar aggregate classification (germline): Uncertain significance (1 of 4 stars; one submission).

Conditions:
EP300-related disorder. Also called: EP300-related condition; EP300-related disorders.

Submission:

PreventionGenetics, part of Exact Sciences
Classification: Uncertain significance for EP300-related condition. Last evaluated: 2026-02-23. Review status: criteria provided, single submitter. Criteria: ACMG Guidelines, 2015. Collection method: clinical testing. Allele origin: germline.
Comment: The EP300 c.7077G>A variant is predicted to result in the amino acid substitution p.Met2359Ile. To our knowledge, this variant has not been reported in the literature or in a large population database, indicating this variant is rare. At this time, the clinical significance of this variant is uncertain due to the absence of conclusive functional and genetic evidence.